The following is an entry in ClinVar:

NM_174936.4(PCSK9):c.1952A>G (p.Asp651Gly)

Gene: PCSK9 (proprotein convertase subtilisin/kexin type 9; plus strand). Cytogenetic location: 1p32.3.
Variant type: single nucleotide variant.
Coding change: c.1952A>G on transcript NM_174936.4 (MANE Select); coding-DNA position 1952, A replaced by G.
Protein change: p.Asp651Gly; replaces aspartic acid 651 with glycine.
Molecular consequence: missense variant.
Genome position (GRCh38, 1-based): chr1:55,063,457, A>G. VCF-style: chr1-55063457-A-G. GRCh37 (hg19) VCF-style: chr1-55529130-A-G.
Other names: c.2075A>G, p.Asp692Gly (NM_001407240.1); c.1994A>G, p.Asp665Gly (NM_001407241.1); c.1955A>G, p.Asp652Gly (NM_001407242.1); c.1895A>G, p.Asp632Gly (NM_001407243.1); c.1778A>G, p.Asp593Gly (NM_001407244.1); c.1760A>G, p.Asp587Gly (NM_001407245.1); c.1577A>G, p.Asp526Gly (NM_001407246.1); c.1451A>G, p.Asp484Gly (NM_001407247.1); short protein forms D651G, D526G, D632G, D484G, D593G, D587G, D652G, D665G.
Identifiers: ClinVar variation 922646 (VCV000922646.9), dbSNP rs1644777850, ClinGen allele CA340480717.

ClinVar aggregate classification (germline): Uncertain significance. Review status: criteria provided, multiple submitters, no conflicts (2 of 4 stars). 3 submissions from 3 submitters: Uncertain significance (3). Last evaluated 2023-12-05.

Conditions:
Cardiovascular phenotype. Identifiers: MedGen CN230736.
Familial hypercholesterolemia. Also called: Familial hypercholesterolemias; Familial hypercholesterolaemia. Identifiers: MedGen C0020445, MONDO:0005439.
Hypercholesterolemia, autosomal dominant, 3 (FHCL3). Also called: Familial hypercholesterolemia 3; Familial Hypercholesterolemia, Autosomal Dominant, 3; PCSK9-Related Familial Hypercholesterolemia, Autosomal Dominant. Identifiers: MedGen C1863551, MONDO:0011369, OMIM 603776.

Submissions (3):

Color Diagnostics, LLC DBA Color Health
Classification: Uncertain significance for Familial hypercholesterolemia. Last evaluated: 2023-12-05. Review status: criteria provided, single submitter. Criteria: ACMG Guidelines, 2015. Collection method: clinical testing. Allele origin: germline.
Comment: Variant of Uncertain Significance due to insufficient evidence: This missense variant is located in the C-terminal CM3 domain of the PCSK9 protein. Computational prediction tools and conservation analyses suggest that this variant may not impact the protein function. Computational splicing tools suggest that this variant may not impact RNA splicing. To our knowledge, functional assays have not been performed for this variant nor has this variant been reported in individuals affected with familial hypercholesterolemia in the literature. This variant is rare in the general population and has been identified in 0/277264 chromosomes by the Genome Aggregation Database (gnomAD). Available evidence is insufficient to determine the pathogenicity of this variant conclusively.

All of Us Research Program, National Institutes of Health
Classification: Uncertain significance for Hypercholesterolemia, autosomal dominant, 3. Last evaluated: 2023-02-22. Review status: criteria provided, single submitter. Criteria: ACMG Guidelines, 2015. Collection method: clinical testing. Allele origin: germline. Inheritance: Autosomal dominant inheritance. Observed: 1 variant allele, 1 heterozygote.
Comment: Variant of Uncertain Significance due to insufficient evidence: This missense variant is located in the C-terminal CM3 domain of the PCSK9 protein. Computational prediction tools and conservation analyses suggest that this variant may not impact the protein function. Computational splicing tools suggest that this variant may not impact RNA splicing. To our knowledge, functional assays have not been performed for this variant nor has this variant been reported in individuals affected with familial hypercholesterolemia in the literature. This variant is rare in the general population and has been identified in 0/277264 chromosomes by the Genome Aggregation Database (gnomAD). Available evidence is insufficient to determine the pathogenicity of this variant conclusively.

This study involves interpretation of variants in research participants for the purpose of population health screening. Participant phenotype was not available at the time of variant classification. Additional details can be found in publication PMID: 35346344, PMCID: PMC8962531

Ambry Genetics
Classification: Uncertain significance for Cardiovascular phenotype. Last evaluated: 2022-08-22. Review status: criteria provided, single submitter. Criteria: Ambry Variant Classification Scheme 2023. Collection method: clinical testing. Allele origin: germline.
Comment: The p.D651G variant (also known as c.1952A>G), located in coding exon 12 of the PCSK9 gene, results from an A to G substitution at nucleotide position 1952. The aspartic acid at codon 651 is replaced by glycine, an amino acid with similar properties. This amino acid position is conserved. In addition, this alteration is predicted to be tolerated by in silico analysis. Since supporting evidence is limited at this time, the clinical significance of this alteration remains unclear.